The following is an entry in ClinVar:

NM_005379.4(MYO1A):c.2499G>T (p.Arg833=)

Gene: MYO1A (myosin IA; minus strand). Cytogenetic location: 12q13.3.
Variant type: single nucleotide variant.
Coding change: c.2499G>T on transcript NM_005379.4 (MANE Select); coding-DNA position 2499, G replaced by T.
Protein change: p.Arg833=; no amino-acid change (arginine 833 retained).
Molecular consequence: synonymous variant.
Genome position (GRCh38, 1-based): chr12:57,030,302, C>A on the plus strand (G>T on the coding strand, the complement: MYO1A is on the minus strand). VCF-style: chr12-57030302-C-A. GRCh37 (hg19) VCF-style: chr12-57424086-C-A.
Other names: c.2499G>T, p.Arg833= (NM_001256041.2).
Identifiers: ClinVar variation 178952 (VCV000178952.5), dbSNP rs727504563, ClinGen allele CA183371.

ClinVar aggregate classification (germline): Likely benign. Review status: criteria provided, multiple submitters, no conflicts (2 of 4 stars). 2 submissions from 2 submitters: Likely benign (2). Last evaluated 2024-11-04.

Allele frequency attached by ClinVar (database versions not stated): gnomAD 0.00001 and 0.00002; gnomAD exomes 0.00002 and 0.00003; ExAC 0.00003; TOPMed 0.00005.
gnomAD v4.1: 37 of 1,613,990 alleles (0.0023%); highest among the groups gnomAD compares: Non-Finnish European, 0.003%; no homozygotes.

Submissions (2):

Blueprint Genetics
Classification: Likely benign. Last evaluated: 2024-11-04. Review status: criteria provided, single submitter. Criteria: ACMG Guidelines, 2015. Collection method: clinical testing. Allele origin: germline.

Laboratory for Molecular Medicine, Mass General Brigham Personalized Medicine
Classification: Likely benign. Last evaluated: 2013-05-31. Review status: criteria provided, single submitter. Criteria: LMM Criteria. Collection method: clinical testing. Allele origin: germline. Observed: 1 variant allele.
Comment: Arg833Arg in exon 24 of MYO1A: This variant is not expected to have clinical sig nificance because it does not alter an amino acid residue and it is not located within the splice consensus sequence.